The following is an entry in ClinVar:

NM_001015877.2(PHF6):c.310C>G (p.His104Asp)

Gene: PHF6 (PHD finger protein 6; plus strand). Cytogenetic location: Xq26.2.
Variant type: single nucleotide variant.
Coding change: c.310C>G on transcript NM_001015877.2 (MANE Select); coding-DNA position 310, C replaced by G.
Protein change: p.His104Asp; replaces histidine 104 with aspartic acid.
Molecular consequence: missense variant.
Genome position (GRCh38, 1-based): chrX:134,393,570, C>G. VCF-style: chrX-134393570-C-G. GRCh37 (hg19) VCF-style: chrX-133527600-C-G.
Other names: c.310C>G, p.His104Asp (NM_032335.3, NM_032458.3); short protein forms H104D.
Identifiers: ClinVar variation 961345 (VCV000961345.40), dbSNP rs2077363957, ClinGen allele CA414711651.

ClinVar aggregate classification (germline): Uncertain significance. Review status: criteria provided, multiple submitters, no conflicts (2 of 4 stars). 2 submissions from 2 submitters: Uncertain significance (2). Last evaluated 2023-08-18.

Conditions:
Borjeson-Forssman-Lehmann syndrome (BFLS). Also called: MENTAL RETARDATION, X-LINKED, SYNDROMIC, BORJESON-FORSSMAN-LEHMANN TYPE; MENTAL RETARDATION, EPILEPSY, AND ENDOCRINE DISORDERS; BORJESON SYNDROME. Identifiers: Orphanet 127, MedGen C0265339, MONDO:0010537, OMIM 301900.

Submissions (2):

Labcorp Genetics (formerly Invitae), Labcorp
Classification: Uncertain significance for Borjeson-Forssman-Lehmann syndrome. Last evaluated: 2023-08-18. Review status: criteria provided, single submitter. Criteria: Invitae Variant Classification Sherloc (09022015). Collection method: clinical testing. Allele origin: germline.
Comment: This sequence change replaces histidine, which is basic and polar, with aspartic acid, which is acidic and polar, at codon 104 of the PHF6 protein (p.His104Asp). In summary, the available evidence is currently insufficient to determine the role of this variant in disease. Therefore, it has been classified as a Variant of Uncertain Significance. Advanced modeling of protein sequence and biophysical properties (such as structural, functional, and spatial information, amino acid conservation, physicochemical variation, residue mobility, and thermodynamic stability) performed at Invitae indicates that this missense variant is expected to disrupt PHF6 protein function. ClinVar contains an entry for this variant (Variation ID: 961345). This variant has not been reported in the literature in individuals affected with PHF6-related conditions. This variant is not present in population databases (gnomAD no frequency).

CeGaT Center for Human Genetics Tuebingen
Classification: Uncertain significance. Last evaluated: 2022-05-01. Review status: criteria provided, single submitter. Criteria: CeGaT Center For Human Genetics Tuebingen Variant Classification Criteria Version 2. Collection method: clinical testing. Allele origin: germline. Affected: yes. Observed: 1 variant allele.
Comment: PHF6: PM2, PP3